The following is an entry in ClinVar:

NM_014000.3(VCL):c.3381T>C (p.Val1127=)

Gene: VCL (vinculin; plus strand). Cytogenetic location: 10q22.2.
Variant type: single nucleotide variant.
Coding change: c.3381T>C on transcript NM_014000.3 (MANE Select); coding-DNA position 3381, T replaced by C.
Protein change: p.Val1127=; no amino-acid change (valine 1127 retained).
Molecular consequence: synonymous variant.
Genome position (GRCh38, 1-based): chr10:74,118,145, T>C. VCF-style: chr10-74118145-T-C. GRCh37 (hg19) VCF-style: chr10-75877903-T-C.
Other names: c.3177T>C, p.Val1059= (NM_003373.4).
Identifiers: ClinVar variation 378850 (VCV000378850.16), dbSNP rs943734765, ClinGen allele CA16605935.

ClinVar aggregate classification (germline): Likely benign. Review status: criteria provided, multiple submitters, no conflicts (2 of 4 stars). 5 submissions from 5 submitters: Likely benign (4). 1 of the submissions does not count toward it. Last evaluated 2025-08-20.

Conditions:
VCL-related disorder. Also called: VCL-related condition.
Cardiovascular phenotype. Identifiers: MedGen CN230736.
Hypertrophic cardiomyopathy 15. Identifiers: MedGen C2750459, MONDO:0013200, OMIM 613255.
Dilated cardiomyopathy 1W (CMD1W). Identifiers: Orphanet 154, MedGen C1969639, MONDO:0012667, OMIM 611407.

Allele frequency attached by ClinVar (database versions not stated): gnomAD exomes below 0.00001; gnomAD 0.00001; TOPMed 0.00001.
gnomAD v4.1: 5 of 1,613,978 alleles (0.00031%); highest among the groups gnomAD compares: East Asian, 0.0045%; no homozygotes.

Submissions (5):

Labcorp Genetics (formerly Invitae), Labcorp
Classification: Likely benign for Dilated cardiomyopathy 1W. Last evaluated: 2025-08-20. Review status: criteria provided, single submitter. Criteria: Invitae Variant Classification Sherloc (09022015). Collection method: clinical testing. Allele origin: germline.

Fulgent Genetics
Classification: Likely benign for Dilated cardiomyopathy 1W; Hypertrophic cardiomyopathy 15. Last evaluated: 2021-09-27. Review status: criteria provided, single submitter. Criteria: ACMG Guidelines, 2015. Collection method: clinical testing. Allele origin: unknown.

Ambry Genetics
Classification: Likely benign for Cardiovascular phenotype. Last evaluated: 2019-05-22. Review status: criteria provided, single submitter. Criteria: Ambry Variant Classification Scheme 2023. Collection method: clinical testing. Allele origin: germline.

GeneDx
Classification: Likely benign. Last evaluated: 2016-02-23. Review status: criteria provided, single submitter. Criteria: GeneDx Variant Classification (06012015). Collection method: clinical testing. Allele origin: germline. Affected: yes.
Comment: This variant is considered likely benign or benign based on one or more of the following criteria: it is a conservative change, it occurs at a poorly conserved position in the protein, it is predicted to be benign by multiple in silico algorithms, and/or has population frequency not consistent with disease.

PreventionGenetics, part of Exact Sciences
Classification: Likely benign for VCL-related condition. Last evaluated: 2019-02-20. Review status: no assertion criteria provided. Collection method: clinical testing. Allele origin: germline. Not counted in ClinVar's aggregate classification.
Comment: This variant is classified as likely benign based on ACMG/AMP sequence variant interpretation guidelines (Richards et al. 2015 PMID: 25741868, with internal and published modifications).